The following is an entry in ClinVar:

NC_000016.10:g.5071909G>A

Genes: ALG1 (ALG1 chitobiosyldiphosphodolichol beta-mannosyltransferase; plus strand), LOC130058383 (ATAC-STARR-seq lymphoblastoid active region 10348; plus strand). Cytogenetic location: 16p13.3.
Variant type: single nucleotide variant.
Genome position: GRCh38 VCF-style: chr16-5071909-G-A. GRCh37 (hg19) VCF-style: chr16-5121910-G-A.
Identifiers: ClinVar variation 385000 (VCV000385000.30), dbSNP rs78694906, ClinGen allele CA7889659.

ClinVar aggregate classification (germline): Benign/Likely benign. Review status: criteria provided, multiple submitters, no conflicts (2 of 4 stars). 3 submissions from 3 submitters: Benign (1); Likely benign (2). Last evaluated 2026-01-28.

Conditions:
ALG1-congenital disorder of glycosylation. Also called: ALG1-CDG; CDG Ik; CONGENITAL DISORDER OF GLYCOSYLATION, TYPE Ik. Identifiers: Orphanet 79327, MedGen C2931005, MONDO:0012052, OMIM 608540.

Allele frequency attached by ClinVar (database versions not stated): gnomAD exomes 0.00005 and 0.00010; ESP Exome Variant Server 0.00008; ExAC 0.00026; gnomAD 0.00043 and 0.00046; TOPMed 0.00065; 1000 Genomes Project 0.00140; 1000 Genomes Project 30x 0.00172.
gnomAD v4.1: 142 of 1,599,086 alleles (0.0089%); highest among the groups gnomAD compares: African/African-American, 0.18%; no homozygotes.

Submissions (3):

Labcorp Genetics (formerly Invitae), Labcorp
Classification: Benign for ALG1-congenital disorder of glycosylation. Last evaluated: 2026-01-28. Review status: criteria provided, single submitter. Criteria: Invitae Variant Classification Sherloc (09022015). Collection method: clinical testing. Allele origin: germline.

CeGaT Center for Human Genetics Tuebingen
Classification: Likely benign. Last evaluated: 2024-02-01. Review status: criteria provided, single submitter. Criteria: CeGaT Center For Human Genetics Tuebingen Variant Classification Criteria Version 2. Collection method: clinical testing. Allele origin: germline. Affected: yes. Observed: 1 variant allele.
Comment: ALG1: BP4, BP7

GeneDx
Classification: Likely benign. Last evaluated: 2016-04-25. Review status: criteria provided, single submitter. Criteria: GeneDx Variant Classification (06012015). Collection method: clinical testing. Allele origin: germline. Affected: yes.
Comment: This variant is considered likely benign or benign based on one or more of the following criteria: it is a conservative change, it occurs at a poorly conserved position in the protein, it is predicted to be benign by multiple in silico algorithms, and/or has population frequency not consistent with disease.